The following is an entry in ClinVar:

NM_001348484.3(RIMS2):c.4061T>C (p.Val1354Ala)

Gene: RIMS2 (regulating synaptic membrane exocytosis 2; plus strand). Cytogenetic location: 8q22.3.
Variant type: single nucleotide variant.
Coding change: c.4061T>C on transcript NM_001348484.3 (MANE Select); coding-DNA position 4061, T replaced by C.
Protein change: p.Val1354Ala; replaces valine 1354 with alanine.
Molecular consequence: missense variant. On other transcripts: intron variant (22).
Genome position (GRCh38, 1-based): chr8:104,148,801, T>C. VCF-style: chr8-104148801-T-C. GRCh37 (hg19) VCF-style: chr8-105161029-T-C.
Other names: c.3887T>C, p.Val1296Ala (NM_001348489.2); c.3800T>C, p.Val1267Ala (NM_001348490.2); c.3212T>C, p.Val1071Ala (NM_001348498.2, NM_001348503.2); c.3065T>C, p.Val1022Ala (NM_001348501.2); c.3308T>C, p.Val1103Ala (NM_001348509.2); c.3914T>C, p.Val1305Ala (NM_001395652.1); c.3773T>C, p.Val1258Ala (NM_001395653.1); c.3920T>C, p.Val1307Ala (NM_001395654.1); and 22 more; short protein forms V1022A, V1071A, V1103A, V1258A, V1267A, V1296A, V1305A, V1307A.
Identifiers: ClinVar variation 4881426 (VCV004881426.2).
Genomic context (GRCh38, chr8:104,148,801, plus strand): 5'-CCTTGGGCACCAGTGGCAAAAAGCGGCGCTCTAGCCTTGGTGCCAAAATGGTAGCTATCG[T>C]TGGTCTGTCACGGAAAAGTCGCAGTGCTTCTCAGCTCAGCCAAACGGGTAGGAATTTCAA-3'
Protein context (NP_001335413.1, residues 1344-1364): SSLGAKMVAI[Val1354Ala]GLSRKSRSAS

ClinVar aggregate classification (germline): Uncertain significance (1 of 4 stars; one submission).

Conditions:
Cone-rod synaptic disorder syndrome, congenital nonprogressive. Identifiers: MedGen C5436505, MONDO:0033543, OMIM 618970.

gnomAD v4.1: 2 of 1,598,418 alleles (0.00013%); highest among the groups gnomAD compares: Admixed American, 0.0033%; no homozygotes.

Submission:

Dasa
Classification: Uncertain significance for Cone-rod synaptic disorder syndrome, congenital nonprogressive. Last evaluated: 2025-10-29. Review status: criteria provided, single submitter. Criteria: DASA Assertion Criteria. Collection method: clinical testing. Allele origin: germline.
Comment: NM_001348484.3(RIMS2):c.4061T>C (p.Val1354Ala) is a missense variant that results in the substitution of valine with alanine. This variant is rare in population databases. The currently available literature and clinical evidence are not sufficient to establish a definitive association between this variant and the reported condition. Therefore, this variant is classified as a variant of uncertain significance.